The following is an entry in ClinVar:

NM_004817.4(TJP2):c.2645C>T (p.Ala882Val)

Gene: TJP2 (tight junction protein 2; plus strand). Cytogenetic location: 9q21.11.
Variant type: single nucleotide variant.
Coding change: c.2645C>T on transcript NM_004817.4 (MANE Select); coding-DNA position 2645, C replaced by T.
Protein change: p.Ala882Val; replaces alanine 882 with valine.
Molecular consequence: missense variant.
Genome position (GRCh38, 1-based): chr9:69,246,768, C>T. VCF-style: chr9-69246768-C-T. GRCh37 (hg19) VCF-style: chr9-71861684-C-T.
Other names: c.2576C>T, p.Ala859Val (NM_001170414.2, NM_001369871.1); c.2657C>T, p.Ala886Val (NM_001170415.1, NM_001369874.1, NM_001369875.1); c.2738C>T, p.Ala913Val (NM_001170416.2); c.2570C>T, p.Ala857Val (NM_001369870.1); c.2645C>T, p.Ala882Val (NM_001369872.1, NM_001369873.1, NM_201629.3); short protein forms A857V, A859V, A882V, A886V, A913V.
Identifiers: ClinVar variation 1308738 (VCV001308738.2), dbSNP rs1014295697, ClinGen allele CA193381466.

ClinVar aggregate classification (germline): Uncertain significance (1 of 4 stars; one submission).

Allele frequency attached by ClinVar (database versions not stated): gnomAD exomes below 0.00001.
gnomAD v4.1: 4 of 1,614,002 alleles (0.00025%); highest among the groups gnomAD compares: Non-Finnish European, 0.00025%; no homozygotes.

Submission:

GeneDx
Classification: Uncertain significance. Last evaluated: 2019-10-02. Review status: criteria provided, single submitter. Criteria: GeneDx Variant Classification Process June 2021. Collection method: clinical testing. Allele origin: germline. Affected: yes.
Comment: In silico analysis, which includes protein predictors and evolutionary conservation, supports that this variant does not alter protein structure/function; Has not been previously published as pathogenic or benign to our knowledge